The following is an entry in ClinVar:

ClinVar aggregate classification (germline): Uncertain significance (1 of 4 stars; one submission).

Conditions:
Hereditary cancer-predisposing syndrome. Also called: Neoplastic Syndromes, Hereditary; Tumor predisposition; Hereditary neoplastic syndrome; Hereditary Cancer Syndrome. Identifiers: Orphanet 140162, MedGen C0027672, MeSH D009386, MONDO:0015356.

gnomAD v4.1: 1 of 1,598,266 alleles (0.000063%); highest among the groups gnomAD compares: Non-Finnish European, 0.000085%; no homozygotes.

Submission:

Ambry Genetics
Classification: Uncertain significance for Hereditary cancer-predisposing syndrome. Last evaluated: 2026-07-06. Review status: criteria provided, single submitter. Criteria: Ambry Variant Classification Scheme 2023. Collection method: clinical testing. Allele origin: germline.
Comment: The p.G276C variant (also known as c.826G>T), located in coding exon 3 of the PHOX2B gene, results from a G to T substitution at nucleotide position 826. The glycine at codon 276 is replaced by cysteine, an amino acid with highly dissimilar properties. This amino acid position is conserved. In addition, this alteration is predicted to be tolerated by in silico analysis. Based on the available evidence, the clinical significance of this variant remains unclear.

NM_003924.4(PHOX2B):c.826G>T (p.Gly276Cys)

Gene: PHOX2B (paired like homeobox 2B; minus strand). Cytogenetic location: 4p13.
Variant type: single nucleotide variant.
Coding change: c.826G>T on transcript NM_003924.4 (MANE Select); coding-DNA position 826, G replaced by T.
Protein change: p.Gly276Cys; replaces glycine 276 with cysteine.
Molecular consequence: missense variant.
Genome position (GRCh38, 1-based): chr4:41,745,926, C>A on the plus strand (G>T on the coding strand, the complement: PHOX2B is on the minus strand). VCF-style: chr4-41745926-C-A. GRCh37 (hg19) VCF-style: chr4-41747943-C-A.
Other names: short protein forms G276C.
Identifiers: ClinVar variation 5026545 (VCV005026545.1).